The following is an entry in ClinVar:

NM_000256.3(MYBPC3):c.2345A>G (p.Asn782Ser)

Gene: MYBPC3 (myosin binding protein C3; minus strand). Cytogenetic location: 11p11.2.
Variant type: single nucleotide variant.
Coding change: c.2345A>G on transcript NM_000256.3 (MANE Select); coding-DNA position 2345, A replaced by G.
Protein change: p.Asn782Ser; replaces asparagine 782 with serine.
Molecular consequence: missense variant.
Genome position (GRCh38, 1-based): chr11:47,337,758, T>C on the plus strand (A>G on the coding strand, the complement: MYBPC3 is on the minus strand). VCF-style: chr11-47337758-T-C. GRCh37 (hg19) VCF-style: chr11-47359309-T-C.
Other names: short protein forms N782S.
Identifiers: ClinVar variation 926688 (VCV000926688.13), dbSNP rs776351251, ClinGen allele CA078660.

ClinVar aggregate classification (germline): Uncertain significance. Review status: criteria provided, multiple submitters, no conflicts (2 of 4 stars). 4 submissions from 4 submitters: Uncertain significance (4). Last evaluated 2026-02-03.

Conditions:
Cardiomyopathy (CMYO). Also called: Cardiomyopathies. Identifiers: Orphanet 167848, MedGen C0878544, MONDO:0004994, HP:0001638. Inheritance: Various modes of inheritance.
Hypertrophic cardiomyopathy. Also called: HYPERTROPHIC MYOCARDIOPATHY. Identifiers: Orphanet 217569, MedGen C0007194, MeSH D002312, MONDO:0005045, HP:0001639.

Allele frequency attached by ClinVar (database versions not stated): TOPMed below 0.00001; gnomAD 0.00001; gnomAD exomes 0.00001; ExAC 0.00005.
gnomAD v4.1: 8 of 1,554,812 alleles (0.00051%); highest among the groups gnomAD compares: Middle Eastern, 0.017%; no homozygotes.

Submissions (4):

Labcorp Genetics (formerly Invitae), Labcorp
Classification: Uncertain significance for Hypertrophic cardiomyopathy. Last evaluated: 2026-02-03. Review status: criteria provided, single submitter. Criteria: Invitae Variant Classification Sherloc (09022015). Collection method: clinical testing. Allele origin: germline.
Comment: This sequence change replaces asparagine, which is neutral and polar, with serine, which is neutral and polar, at codon 782 of the MYBPC3 protein (p.Asn782Ser). This variant is present in population databases (rs776351251, gnomAD 0.004%). This variant has not been reported in the literature in individuals affected with MYBPC3-related conditions. ClinVar contains an entry for this variant (Variation ID: 926688). An algorithm developed to predict the effect of missense changes on protein structure and function (PolyPhen-2) suggests that this variant is likely to be tolerated. In summary, the available evidence is currently insufficient to determine the role of this variant in disease. Therefore, it has been classified as a Variant of Uncertain Significance.

Color Diagnostics, LLC DBA Color Health
Classification: Uncertain significance for Cardiomyopathy. Last evaluated: 2025-12-11. Review status: criteria provided, single submitter. Criteria: ACMG Guidelines, 2015. Collection method: clinical testing. Allele origin: germline.
Comment: This missense variant replaces asparagine with serine at codon 782 of the MYBPC3 protein. Computational prediction suggests that this variant may not impact protein structure and function. To our knowledge, functional studies have not been reported for this variant. This variant has not been reported in individuals affected with MYBPC3-related disorders in the literature. This variant has been identified in 8/1554812 chromosomes in the general population by the Genome Aggregation Database (gnomAD). The available evidence is insufficient to determine the role of this variant in disease conclusively. Therefore, this variant is classified as a Variant of Uncertain Significance.

GeneDx
Classification: Uncertain significance. Last evaluated: 2025-06-24. Review status: criteria provided, single submitter. Criteria: GeneDx Variant Classification Process June 2021. Collection method: clinical testing. Allele origin: germline.
Comment: Not observed at significant frequency in large population cohorts (gnomAD); In silico analysis suggests that this missense variant does not alter protein structure/function; Has not been previously published as pathogenic or benign to our knowledge

All of Us Research Program, National Institutes of Health
Classification: Uncertain significance for Hypertrophic cardiomyopathy. Last evaluated: 2024-09-23. Review status: criteria provided, single submitter. Criteria: ACMG Guidelines, 2015. Collection method: clinical testing. Allele origin: germline. Inheritance: Autosomal dominant inheritance. Observed: 4 variant alleles, 4 heterozygotes.
Comment: This missense variant replaces asparagine with serine at codon 782 of the MYBPC3 protein. Computational prediction suggests that this variant may not impact protein structure and function (internally defined REVEL score threshold <= 0.5, PMID: 27666373). To our knowledge, functional studies have not been reported for this variant. This variant has not been reported in individuals affected with cardiovascular disorders in the literature. This variant has been identified in 1/159332 chromosomes in the general population by the Genome Aggregation Database (gnomAD). The available evidence is insufficient to determine the role of this variant in disease conclusively. Therefore, this variant is classified as a Variant of Uncertain Significance.

This study involves interpretation of variants in research participants for the purpose of population health screening. Participant phenotype was not available at the time of variant classification. Additional details can be found in publication PMID: 35346344, PMCID: PMC8962531